The following is an entry in ClinVar:

NM_001365536.1(SCN9A):c.2343+2T>C

Genes: SCN9A (sodium voltage-gated channel alpha subunit 9; minus strand), SCN1A-AS1 (SCN1A and SCN9A antisense RNA 1; plus strand). Cytogenetic location: 2q24.3.
Variant type: single nucleotide variant.
Coding change: c.2343+2T>C on transcript NM_001365536.1 (MANE Select); the canonical splice donor site of the intron after coding-DNA position 2343, T replaced by C.
Molecular consequence: splice donor variant.
Genome position (GRCh38, 1-based): chr2:166,280,355, A>G on the plus strand (T>C on the coding strand, the complement: SCN9A is on the minus strand). VCF-style: chr2-166280355-A-G. GRCh37 (hg19) VCF-style: chr2-167136865-A-G.
Other names: c.2310+2T>C (NM_002977.4).
Identifiers: ClinVar variation 3756651 (VCV003756651.2).

ClinVar aggregate classification (germline): Likely pathogenic (1 of 4 stars; one submission).

Conditions:
Neuropathy, hereditary sensory and autonomic, type 2A (HSAN2A). Also called: MORVAN DISEASE; NEUROPATHY, CONGENITAL SENSORY; NEUROPATHY, HEREDITARY SENSORY RADICULAR, AUTOSOMAL RECESSIVE; NEUROPATHY, HEREDITARY SENSORY, TYPE IIA; NEUROPATHY, PROGRESSIVE SENSORY, OF CHILDREN; ACROOSTEOLYSIS, GIACCAI TYPE. Identifiers: Orphanet 970, MedGen C2752089, MONDO:0024309, OMIM 201300.
Generalized epilepsy with febrile seizures plus, type 7 (GEFSP7). Also called: GEFS+, TYPE 7. Identifiers: Orphanet 36387, MedGen C2751778, MONDO:0013470, OMIM 613863.

Submission:

Labcorp Genetics (formerly Invitae), Labcorp
Classification: Likely pathogenic for Neuropathy, hereditary sensory and autonomic, type 2A; Generalized epilepsy with febrile seizures plus, type 7. Last evaluated: 2024-06-09. Review status: criteria provided, single submitter. Criteria: Invitae Variant Classification Sherloc (09022015). Collection method: clinical testing. Allele origin: germline.
Comment: This sequence change affects a donor splice site in intron 14 of the SCN9A gene. It is expected to disrupt RNA splicing. Variants that disrupt the donor or acceptor splice site typically lead to a loss of protein function (PMID: 16199547), and loss-of-function variants in SCN9A are known to be pathogenic (PMID: 17470132, 19304393). This variant is not present in population databases (gnomAD no frequency). This variant has not been reported in the literature in individuals affected with SCN9A-related conditions. Algorithms developed to predict the effect of sequence changes on RNA splicing suggest that this variant may disrupt the consensus splice site. In summary, the currently available evidence indicates that the variant is pathogenic, but additional data are needed to prove that conclusively. Therefore, this variant has been classified as Likely Pathogenic.

Literature cited by the submitters: PubMed 16199547; PubMed 17470132; PubMed 19304393.